The following is an entry in ClinVar:

ClinVar aggregate classification (germline): Uncertain significance (1 of 4 stars; one submission).

Allele frequency attached by ClinVar (database versions not stated): gnomAD 0.00001; gnomAD exomes 0.00001; TOPMed 0.00001.
gnomAD v4.1: 5 of 1,611,470 alleles (0.00031%); highest among the groups gnomAD compares: Non-Finnish European, 0.00042%; no homozygotes.

Submission:

Labcorp Genetics (formerly Invitae), Labcorp
Classification: Uncertain significance. Last evaluated: 2022-04-07. Review status: criteria provided, single submitter. Criteria: Invitae Variant Classification Sherloc (09022015). Collection method: clinical testing. Allele origin: germline.
Comment: This sequence change replaces lysine, which is basic and polar, with glutamic acid, which is acidic and polar, at codon 1562 of the C5 protein (p.Lys1562Glu). This variant is present in population databases (no rsID available, gnomAD 0.002%). This variant has not been reported in the literature in individuals affected with C5-related conditions. Algorithms developed to predict the effect of missense changes on protein structure and function are either unavailable or do not agree on the potential impact of this missense change (SIFT: "Deleterious"; PolyPhen-2: "Probably Damaging"; Align-GVGD: "Class C0"). In summary, the available evidence is currently insufficient to determine the role of this variant in disease. Therefore, it has been classified as a Variant of Uncertain Significance.

NM_001735.3(C5):c.4684A>G (p.Lys1562Glu)

Gene: C5 (complement C5; minus strand). Cytogenetic location: 9q33.2.
Variant type: single nucleotide variant.
Coding change: c.4684A>G on transcript NM_001735.3 (MANE Select); coding-DNA position 4684, A replaced by G.
Protein change: p.Lys1562Glu; replaces lysine 1562 with glutamic acid.
Molecular consequence: missense variant.
Genome position (GRCh38, 1-based): chr9:120,957,363, T>C on the plus strand (A>G on the coding strand, the complement: C5 is on the minus strand). VCF-style: chr9-120957363-T-C. GRCh37 (hg19) VCF-style: chr9-123719641-T-C.
Other names: c.4702A>G, p.Lys1568Glu (NM_001317163.2); short protein forms K1562E, K1568E.
Identifiers: ClinVar variation 1962067 (VCV001962067.2), dbSNP rs918777427, ClinGen allele CA199382104.